The following is an entry in ClinVar:

NM_000520.6(HEXA):c.1566T>G (p.Cys522Trp)

Gene: HEXA (hexosaminidase subunit alpha; minus strand). Cytogenetic location: 15q23.
Variant type: single nucleotide variant.
Coding change: c.1566T>G on transcript NM_000520.6 (MANE Select); coding-DNA position 1566, T replaced by G.
Protein change: p.Cys522Trp; replaces cysteine 522 with tryptophan.
Molecular consequence: missense variant.
Genome position (GRCh38, 1-based): chr15:72,344,101, A>C on the plus strand (T>G on the coding strand, the complement: HEXA is on the minus strand). VCF-style: chr15-72344101-A-C. GRCh37 (hg19) VCF-style: chr15-72636442-A-C.
Other names: c.1599T>G, p.Cys533Trp (NM_001318825.2); short protein forms C522W, C533W.
Identifiers: ClinVar variation 3572745 (VCV003572745.1).
Genomic context (GRCh38, chr15:72,344,101, plus strand): 5'-TCACCTACAGCCAGCACCCTCCTCGGTGCCTGGGGCTCAGGTCTGTTCAAACTCCTGCTC[A>C]CAGAAGCCTACATTGAGGGGTTGGGCCTGGACACCTCGCCTGCAAGAGGACATGAAGAAA-3'
Protein context (NP_000511.2, residues 512-529): VQAQPLNVGF[Cys522Trp]EQEFEQT

ClinVar aggregate classification (germline): Uncertain significance (1 of 4 stars; one submission).

Submission:

GeneDx
Classification: Uncertain significance. Last evaluated: 2024-07-11. Review status: criteria provided, single submitter. Criteria: GeneDx Variant Classification Process June 2021. Collection method: clinical testing. Allele origin: germline. Affected: yes.
Comment: Not observed at significant frequency in large population cohorts (gnomAD); In silico analysis supports that this missense variant has a deleterious effect on protein structure/function; Has not been previously published as pathogenic or benign to our knowledge